The following is an entry in ClinVar:

ClinVar aggregate classification (germline): Likely pathogenic (1 of 4 stars; one submission).

Conditions:
Combined immunodeficiency due to DOCK8 deficiency (HIES2). Also called: HIES autosomal recessive; Hyper-IgE recurrent infection syndrome, autosomal recessive; HYPER-IgE RECURRENT INFECTION SYNDROME 2, AUTOSOMAL RECESSIVE; HYPER-IgE SYNDROME 2, AUTOSOMAL RECESSIVE, WITH RECURRENT INFECTIONS; DOCK8 Deficiency. Identifiers: Orphanet 217390, MedGen C4722305, MONDO:0009478, OMIM 243700.

gnomAD v4.1: 1 of 1,546,430 alleles (0.000065%); highest among the groups gnomAD compares: Admixed American, 0.002%; no homozygotes.

Submission:

Labcorp Genetics (formerly Invitae), Labcorp
Classification: Likely pathogenic for Combined immunodeficiency due to DOCK8 deficiency. Last evaluated: 2025-12-15. Review status: criteria provided, single submitter. Criteria: Invitae Variant Classification Sherloc (09022015). Collection method: clinical testing. Allele origin: germline.
Comment: This sequence change affects a donor splice site in intron 2 of the DOCK8 gene. It is expected to disrupt RNA splicing. Variants that disrupt the donor or acceptor splice site typically lead to a loss of protein function (PMID: 16199547), and loss-of-function variants in DOCK8 are known to be pathogenic (PMID: 14722525, 19776401). This variant is present in population databases (no rsID available, gnomAD 0.004%). This variant has not been reported in the literature in individuals affected with DOCK8-related conditions. Algorithms developed to predict the effect of sequence changes on RNA splicing suggest that this variant may disrupt the consensus splice site. In summary, the currently available evidence indicates that the variant is pathogenic, but additional data are needed to prove that conclusively. Therefore, this variant has been classified as Likely Pathogenic.

Literature cited by the submitters: PubMed 16199547; PubMed 14722525; PubMed 19776401.

NM_203447.4(DOCK8):c.156+2T>C

Gene: DOCK8 (dedicator of cytokinesis 8; plus strand). Cytogenetic location: 9p24.3.
Variant type: single nucleotide variant.
Coding change: c.156+2T>C on transcript NM_203447.4 (MANE Select); the canonical splice donor site of the intron after coding-DNA position 156, T replaced by C.
Molecular consequence: splice donor variant.
Genome position (GRCh38, 1-based): chr9:271,731, T>C. VCF-style: chr9-271731-T-C. GRCh37 (hg19) VCF-style: chr9-271731-T-C.
Identifiers: ClinVar variation 4770573 (VCV004770573.1).